The following is an entry in ClinVar:

ClinVar aggregate classification (germline): Uncertain significance (1 of 4 stars; one submission).

Conditions:
Arrhythmogenic cardiomyopathy with wooly hair and keratoderma. Also called: PALMOPLANTAR KERATODERMA WITH LEFT VENTRICULAR CARDIOMYOPATHY AND WOOLLY HAIR; Carvajal syndrome; Dilated cardiomyopathy with woolly hair and keratoderma; Arrhythmogenic cardiomyopathy with woolly hair and keratoderma. Identifiers: Orphanet 65282, MedGen C1854063, MONDO:0011581, OMIM 605676.
Arrhythmogenic right ventricular dysplasia 8 (ARVD8). Also called: Arrhythmogenic Right Ventricular Dysplasia/Cardiomyopathy 8; ARRHYTHMOGENIC RIGHT VENTRICULAR DYSPLASIA, FAMILIAL, 8; ARRHYTHMOGENIC RIGHT VENTRICULAR CARDIOMYOPATHY 8. Identifiers: MedGen C1843896, MONDO:0011831, OMIM 607450.

Submission:

Labcorp Genetics (formerly Invitae), Labcorp
Classification: Uncertain significance for Arrhythmogenic cardiomyopathy with wooly hair and keratoderma; Arrhythmogenic right ventricular dysplasia 8. Last evaluated: 2025-12-03. Review status: criteria provided, single submitter. Criteria: Invitae Variant Classification Sherloc (09022015). Collection method: clinical testing. Allele origin: germline.
Comment: This sequence change replaces isoleucine, which is neutral and non-polar, with arginine, which is basic and polar, at codon 1881 of the DSP protein (p.Ile1881Arg). This variant is not present in population databases (gnomAD no frequency). This variant has not been reported in the literature in individuals affected with DSP-related conditions. An algorithm developed to predict the effect of missense changes on protein structure and function (PolyPhen-2) suggests that this variant is likely to be tolerated. In summary, the available evidence is currently insufficient to determine the role of this variant in disease. Therefore, it has been classified as a Variant of Uncertain Significance.

NM_004415.4(DSP):c.5642T>G (p.Ile1881Arg)

Gene: DSP (desmoplakin; plus strand). Cytogenetic location: 6p24.3.
Variant type: single nucleotide variant.
Coding change: c.5642T>G on transcript NM_004415.4 (MANE Select); coding-DNA position 5642, T replaced by G.
Protein change: p.Ile1881Arg; replaces isoleucine 1881 with arginine.
Molecular consequence: missense variant.
Genome position (GRCh38, 1-based): chr6:7,582,904, T>G. VCF-style: chr6-7582904-T-G. GRCh37 (hg19) VCF-style: chr6-7583137-T-G.
Other names: c.3845T>G, p.Ile1282Arg (NM_001008844.3); c.4313T>G, p.Ile1438Arg (NM_001319034.2); short protein forms I1438R, I1282R, I1881R.
Identifiers: ClinVar variation 4790171 (VCV004790171.1).